The following is an entry in ClinVar:

NM_000090.4(COL3A1):c.2824-25G>A

Gene: COL3A1 (collagen type III alpha 1 chain; plus strand). Cytogenetic location: 2q32.2.
Variant type: single nucleotide variant.
Coding change: c.2824-25G>A on transcript NM_000090.4 (MANE Select); 25 bases into the intron before coding-DNA position 2824, G replaced by A.
Molecular consequence: intron variant.
Genome position (GRCh38, 1-based): chr2:189,004,232, G>A. VCF-style: chr2-189004232-G-A. GRCh37 (hg19) VCF-style: chr2-189868958-G-A.
Identifiers: ClinVar variation 676581 (VCV000676581.1), dbSNP rs144780447, ClinGen allele CA075628.
Genomic context (GRCh38, chr2:189,004,232, plus strand): 5'-TCTACTATTTTGATTTTTATCACAAATCGATTAGAGAAAAACACTGTCACATAAAGATGA[G>A]CTAAGTCTTCATTATCTGTATTAGGGAGCTCCAGGCCCACTTGGGATTGCTGGGATCACT-3'

ClinVar aggregate classification (germline): Likely benign (1 of 4 stars; one submission).

Allele frequency attached by ClinVar (database versions not stated): ESP Exome Variant Server 0.00008; gnomAD 0.00059 and 0.00061; gnomAD exomes 0.00062 and 0.00341; 1000 Genomes Project 0.00080; 1000 Genomes Project 30x 0.00094; TOPMed 0.00202; ExAC 0.00309.
gnomAD v4.1: 984 of 1,600,016 alleles (0.061%); highest among the groups gnomAD compares: Admixed American, 1.6%; 17 homozygotes.

Submission:

GeneDx
Classification: Likely benign. Last evaluated: 2018-06-14. Review status: criteria provided, single submitter. Criteria: GeneDx Variant Classification (06012015). Collection method: clinical testing. Allele origin: germline. Affected: yes.
Comment: This variant is considered likely benign or benign based on one or more of the following criteria: it is a conservative change, it occurs at a poorly conserved position in the protein, it is predicted to be benign by multiple in silico algorithms, and/or has population frequency not consistent with disease.